The following is an entry in ClinVar:

NM_020822.3(KCNT1):c.2522+3G>A

Gene: KCNT1 (potassium sodium-activated channel subfamily T member 1; plus strand). Cytogenetic location: 9q34.3.
Variant type: single nucleotide variant.
Coding change: c.2522+3G>A on transcript NM_020822.3 (MANE Select); 3 bases into the intron after coding-DNA position 2522, G replaced by A.
Molecular consequence: intron variant.
Genome position (GRCh38, 1-based): chr9:135,777,513, G>A. VCF-style: chr9-135777513-G-A. GRCh37 (hg19) VCF-style: chr9-138669359-G-A.
Other names: c.2387+3G>A (NM_001272003.2).
Identifiers: ClinVar variation 664889 (VCV000664889.7), dbSNP rs1588381370, ClinGen allele CA915947340.

ClinVar aggregate classification (germline): Uncertain significance (1 of 4 stars; one submission).

Conditions:
Autosomal dominant nocturnal frontal lobe epilepsy 5. Also called: Epilepsy, nocturnal frontal lobe, 5; KCNT1-Related Epilepsy; CILIARY DYSKINESIA, PRIMARY, 28, WITHOUT SITUS INVERSUS; CILIARY DYSKINESIA, PRIMARY, 28, WITH SITUS INVERSUS. Identifiers: Orphanet 98784, MedGen C3554306, MONDO:0014002, OMIM 615005.
Developmental and epileptic encephalopathy, 14 (DEE14). Also called: Early infantile epileptic encephalopathy 14. Identifiers: Orphanet 293181, MedGen C3554195, MONDO:0013989, OMIM 614959.

Submission:

Labcorp Genetics (formerly Invitae), Labcorp
Classification: Uncertain significance for Autosomal dominant nocturnal frontal lobe epilepsy 5; Developmental and epileptic encephalopathy, 14. Last evaluated: 2022-03-19. Review status: criteria provided, single submitter. Criteria: Invitae Variant Classification Sherloc (09022015). Collection method: clinical testing. Allele origin: germline.
Comment: This sequence change falls in intron 21 of the KCNT1 gene. It does not directly change the encoded amino acid sequence of the KCNT1 protein. It affects a nucleotide within the consensus splice site. This variant is not present in population databases (gnomAD no frequency). This variant has not been reported in the literature in individuals affected with KCNT1-related conditions. ClinVar contains an entry for this variant (Variation ID: 664889). Variants that disrupt the consensus splice site are a relatively common cause of aberrant splicing (PMID: 17576681, 9536098). Algorithms developed to predict the effect of sequence changes on RNA splicing suggest that this variant is not likely to affect RNA splicing. In summary, the available evidence is currently insufficient to determine the role of this variant in disease. Therefore, it has been classified as a Variant of Uncertain Significance.

Literature cited by the submitters: PubMed 17576681; PubMed 9536098.